The following is an entry in ClinVar:

NM_022095.4(ZNF335):c.2953G>T (p.Asp985Tyr)

Gene: ZNF335 (zinc finger protein 335; minus strand). Cytogenetic location: 20q13.12.
Variant type: single nucleotide variant.
Coding change: c.2953G>T on transcript NM_022095.4 (MANE Select); coding-DNA position 2953, G replaced by T.
Protein change: p.Asp985Tyr; replaces aspartic acid 985 with tyrosine.
Molecular consequence: missense variant.
Genome position (GRCh38, 1-based): chr20:45,952,383, C>A on the plus strand (G>T on the coding strand, the complement: ZNF335 is on the minus strand). VCF-style: chr20-45952383-C-A. GRCh37 (hg19) VCF-style: chr20-44581022-C-A.
Other names: c.2953G>T (NM_022095.3); short protein forms D985Y.
Identifiers: ClinVar variation 2050418 (VCV002050418.7), dbSNP rs79407773, ClinGen allele CA9885193.
Genomic context (GRCh38, chr20:45,952,383, plus strand): 5'-GCACTGCCAGGCCCAGGGCTTTGCTGGTTGCAGGAGGTGAGGAGGCAGAGCTCTGGGAGT[C>A]CCCTACGCAGTGGGTCTTGGCTGGAGATGGGGGCTCAGGGCCGTCTCTGGGCAGTCCCCC-3'
Protein context (NP_071378.1, residues 975-995): PSPAKTHCVG[Asp985Tyr]SQSSASSPPA

ClinVar aggregate classification (germline): Uncertain significance. Review status: criteria provided, multiple submitters, no conflicts (2 of 4 stars). 2 submissions from 2 submitters: Uncertain significance (2). Last evaluated 2025-09-25.

Conditions:
Inborn genetic diseases. Identifiers: MedGen C0950123, MeSH D030342.

Allele frequency attached by ClinVar (database versions not stated): ESP Exome Variant Server 0.00008; 1000 Genomes Project 30x 0.00016; TOPMed 0.00004; gnomAD 0.00005; 1000 Genomes Project 0.00020.

Submissions (2):

Ambry Genetics
Classification: Uncertain significance for Inborn genetic diseases. Last evaluated: 2025-09-25. Review status: criteria provided, single submitter. Criteria: Ambry Variant Classification Scheme 2023. Collection method: clinical testing. Allele origin: germline.

Labcorp Genetics (formerly Invitae), Labcorp
Classification: Uncertain significance. Last evaluated: 2022-06-04. Review status: criteria provided, single submitter. Criteria: Invitae Variant Classification Sherloc (09022015). Collection method: clinical testing. Allele origin: germline.
Comment: This variant is present in population databases (rs79407773, gnomAD 0.02%). This variant has not been reported in the literature in individuals affected with ZNF335-related conditions. Algorithms developed to predict the effect of missense changes on protein structure and function are either unavailable or do not agree on the potential impact of this missense change (SIFT: "Deleterious"; PolyPhen-2: "Benign"; Align-GVGD: "Class C0"). Algorithms developed to predict the effect of sequence changes on RNA splicing suggest that this variant may create or strengthen a splice site. In summary, the available evidence is currently insufficient to determine the role of this variant in disease. Therefore, it has been classified as a Variant of Uncertain Significance. This sequence change replaces aspartic acid, which is acidic and polar, with tyrosine, which is neutral and polar, at codon 985 of the ZNF335 protein (p.Asp985Tyr).